The following is an entry in ClinVar:

ClinVar aggregate classification (germline): Uncertain significance. Review status: criteria provided, multiple submitters, no conflicts (2 of 4 stars). 4 submissions from 4 submitters: Uncertain significance (4). Last evaluated 2025-07-09.

Conditions:
Cardiovascular phenotype. Identifiers: MedGen CN230736.
Brugada syndrome. Also called: Sudden unexpected nocturnal death syndrome; Sudden Unexplained Death Syndrome; Sudden Unexplained Nocturnal Death Syndrome (SUNDS); Sudden unexplained nocturnal death syndrome. Identifiers: Orphanet 130, MedGen C1142166, MONDO:0015263.
Episodic pain syndrome, familial, 2 (FEPS2). Identifiers: Orphanet 306577, MedGen C3809893, MONDO:0014246, OMIM 615551.

Allele frequency attached by ClinVar (database versions not stated): TOPMed 0.00001.

Submissions (4):

Labcorp Genetics (formerly Invitae), Labcorp
Classification: Uncertain significance for Brugada syndrome. Last evaluated: 2025-07-09. Review status: criteria provided, single submitter. Criteria: Invitae Variant Classification Sherloc (09022015). Collection method: clinical testing. Allele origin: germline.
Comment: This sequence change replaces methionine, which is neutral and non-polar, with arginine, which is basic and polar, at codon 1267 of the SCN10A protein (p.Met1267Arg). This variant is present in population databases (rs774337248, gnomAD 0.003%). This missense change has been observed in individual(s) with clinical features of SCN10A-related conditions (PMID: 26423924, 31780880). ClinVar contains an entry for this variant (Variation ID: 1025258). Invitae Evidence Modeling of protein sequence and biophysical properties (such as structural, functional, and spatial information, amino acid conservation, physicochemical variation, residue mobility, and thermodynamic stability) indicates that this missense variant is expected to disrupt SCN10A protein function with a positive predictive value of 80%. In summary, the available evidence is currently insufficient to determine the role of this variant in disease. Therefore, it has been classified as a Variant of Uncertain Significance.

Ambry Genetics
Classification: Uncertain significance for Cardiovascular phenotype. Last evaluated: 2024-10-14. Review status: criteria provided, single submitter. Criteria: Ambry Variant Classification Scheme 2023. Collection method: clinical testing. Allele origin: germline.
Comment: The p.M1267R variant (also known as c.3800T>G), located in coding exon 21 of the SCN10A gene, results from a T to G substitution at nucleotide position 3800. The methionine at codon 1267 is replaced by arginine, an amino acid with similar properties. This variant was reported in an individual with focal epilepsy and a family history of sudden unexplained death; however, clinical details were limited (Coll M et al. Int. J. Legal Med., 2016 Mar;130:331-9). This amino acid position is highly conserved in available vertebrate species. In addition, this alteration is predicted to be deleterious by in silico analysis. Since supporting evidence is limited at this time, the clinical significance of this alteration remains unclear.

Fulgent Genetics
Classification: Uncertain significance for Episodic pain syndrome, familial, 2. Last evaluated: 2021-09-28. Review status: criteria provided, single submitter. Criteria: ACMG Guidelines, 2015. Collection method: clinical testing. Allele origin: unknown.

GeneDx
Classification: Uncertain significance. Last evaluated: 2019-04-03. Review status: criteria provided, single submitter. Criteria: GeneDx Variant Classification Process June 2021. Collection method: clinical testing. Allele origin: germline. Affected: yes.
Comment: Identified in a patient with Sudden Unexplained Death in Epilepsy (SUDEP) in published literature (Coll et al., 2016); Not observed at a significant frequency in large population cohorts (Lek et al., 2016); In silico analysis, which includes protein predictors and evolutionary conservation, supports a deleterious effect; This variant is associated with the following publications: (PMID: 26423924, 31780880)

Literature cited by the submitters: PubMed 26423924 (cited by Labcorp Genetics (formerly Invitae), Labcorp and Ambry Genetics); PubMed 31780880 (cited by Labcorp Genetics (formerly Invitae), Labcorp).

NM_006514.4(SCN10A):c.3800T>G (p.Met1267Arg)

Gene: SCN10A (sodium voltage-gated channel alpha subunit 10; minus strand). Cytogenetic location: 3p22.2.
Variant type: single nucleotide variant.
Coding change: c.3800T>G on transcript NM_006514.4 (MANE Select); coding-DNA position 3800, T replaced by G.
Protein change: p.Met1267Arg; replaces methionine 1267 with arginine.
Molecular consequence: missense variant.
Genome position (GRCh38, 1-based): chr3:38,713,962, A>C on the plus strand (T>G on the coding strand, the complement: SCN10A is on the minus strand). VCF-style: chr3-38713962-A-C. GRCh37 (hg19) VCF-style: chr3-38755453-A-C.
Other names: c.3797T>G, p.Met1266Arg (NM_001293306.2); c.3506T>G, p.Met1169Arg (NM_001293307.2); short protein forms M1169R, M1266R, M1267R.
Identifiers: ClinVar variation 1025258 (VCV001025258.11), dbSNP rs774337248, ClinGen allele CA2320115.
Genomic context (GRCh38, chr3:38,713,962, plus strand): 5'-ACAGGCATGAACCACCGTGCCTGGCCAGATGAGAGAAGTTTTGAGATCAGACTTACCCGC[A>C]TGCCTTCAAATCGAGAAAGAGCCCGCAGTGGCCGCAGAGCGCGAAGGGTTCGAAGGGCTT-3'
Protein context (NP_006505.4, residues 1257-1277): PLRALSRFEG[Met1267Arg]RVVVDALVGA